The following is an entry in ClinVar:

ClinVar aggregate classification (germline): Pathogenic (1 of 4 stars; one submission).

Conditions:
T-B+ severe combined immunodeficiency due to JAK3 deficiency. Also called: SCID, autosomal recessive, T-negative/B-positive type; SCID, T CELL-NEGATIVE, B CELL-POSITIVE, NK CELL-NEGATIVE. Identifiers: Orphanet 35078, MedGen C1833275, MONDO:0010938, OMIM 600802.

Allele frequency attached by ClinVar (database versions not stated): TOPMed below 0.00001.

Submission:

Labcorp Genetics (formerly Invitae), Labcorp
Classification: Pathogenic for T-B+ severe combined immunodeficiency due to JAK3 deficiency. Last evaluated: 2023-03-07. Review status: criteria provided, single submitter. Criteria: Invitae Variant Classification Sherloc (09022015). Collection method: clinical testing. Allele origin: germline.
Comment: For these reasons, this variant has been classified as Pathogenic. This premature translational stop signal has been observed in individual(s) with severe combined immunodeficiency (PMID: 30778343). This variant is not present in population databases (gnomAD no frequency). This sequence change creates a premature translational stop signal (p.Trp993*) in the JAK3 gene. It is expected to result in an absent or disrupted protein product. Loss-of-function variants in JAK3 are known to be pathogenic (PMID: 7481768, 11668621).

Literature cited by the submitters: PubMed 30778343; PubMed 7481768; PubMed 11668621.

NM_000215.4(JAK3):c.2979G>A (p.Trp993Ter)

Gene: JAK3 (Janus kinase 3; minus strand). Cytogenetic location: 19p13.11.
Variant type: single nucleotide variant.
Coding change: c.2979G>A on transcript NM_000215.4 (MANE Select); coding-DNA position 2979, G replaced by A.
Protein change: p.Trp993Ter; replaces tryptophan 993 with a stop codon.
Molecular consequence: nonsense.
Genome position (GRCh38, 1-based): chr19:17,830,620, C>T on the plus strand (G>A on the coding strand, the complement: JAK3 is on the minus strand). VCF-style: chr19-17830620-C-T. GRCh37 (hg19) VCF-style: chr19-17941429-C-T.
Other names: short protein forms W993*.
Identifiers: ClinVar variation 3005350 (VCV003005350.3), dbSNP rs2094212167, ClinGen allele CA404764832.